The following is an entry in ClinVar:

ClinVar aggregate classification (germline): Likely benign (1 of 4 stars; one submission).

Allele frequency attached by ClinVar (database versions not stated): TOPMed 0.00369; gnomAD 0.00484; gnomAD exomes 0.00608; 1000 Genomes Project 30x 0.00156; 1000 Genomes Project 0.00180; ExAC 0.00321.
gnomAD v4.1: 9,136 of 1,549,882 alleles (0.59%); highest among the groups gnomAD compares: Non-Finnish European, 0.69%; 39 homozygotes.

Submission:

CeGaT Center for Human Genetics Tuebingen
Classification: Likely benign. Last evaluated: 2025-09-01. Review status: criteria provided, single submitter. Criteria: CeGaT Center For Human Genetics Tuebingen Variant Classification Criteria Version 2. Collection method: clinical testing. Allele origin: germline. Affected: yes. Observed: 2 variant alleles.
Comment: CFAP46: BS2

NM_001200049.3(CFAP46):c.3377A>G (p.Asp1126Gly)

Gene: CFAP46 (cilia and flagella associated protein 46; minus strand). Cytogenetic location: 10q26.3.
Variant type: single nucleotide variant.
Coding change: c.3377A>G on transcript NM_001200049.3 (MANE Select); coding-DNA position 3377, A replaced by G.
Protein change: p.Asp1126Gly; replaces aspartic acid 1126 with glycine.
Molecular consequence: missense variant.
Genome position (GRCh38, 1-based): chr10:132,885,887, T>C on the plus strand (A>G on the coding strand, the complement: CFAP46 is on the minus strand). VCF-style: chr10-132885887-T-C. GRCh37 (hg19) VCF-style: chr10-134699391-T-C.
Other names: short protein forms D1126G.
Identifiers: ClinVar variation 2640990 (VCV002640990.24), dbSNP rs150871636, ClinGen allele CA5757650.